The following is an entry in ClinVar:

NM_001845.6(COL4A1):c.2437C>T (p.Gln813Ter)

Gene: COL4A1 (collagen type IV alpha 1 chain; minus strand). Cytogenetic location: 13q34.
Variant type: single nucleotide variant.
Coding change: c.2437C>T on transcript NM_001845.6 (MANE Select); coding-DNA position 2437, C replaced by T.
Protein change: p.Gln813Ter; replaces glutamine 813 with a stop codon.
Molecular consequence: nonsense.
Genome position (GRCh38, 1-based): chr13:110,178,944, G>A on the plus strand (C>T on the coding strand, the complement: COL4A1 is on the minus strand). VCF-style: chr13-110178944-G-A. GRCh37 (hg19) VCF-style: chr13-110831291-G-A.
Other names: short protein forms Q813*.
Identifiers: ClinVar variation 4733167 (VCV004733167.1).

ClinVar aggregate classification (germline): Pathogenic (1 of 4 stars; one submission).

Submission:

Labcorp Genetics (formerly Invitae), Labcorp
Classification: Pathogenic. Last evaluated: 2025-12-14. Review status: criteria provided, single submitter. Criteria: Invitae Variant Classification Sherloc (09022015). Collection method: clinical testing. Allele origin: germline.
Comment: This sequence change creates a premature translational stop signal (p.Gln813*) in the COL4A1 gene. It is expected to result in an absent or disrupted protein product. Loss-of-function variants in COL4A1 are known to be pathogenic (PMID: 23225343). This variant is not present in population databases (gnomAD no frequency). This variant has not been reported in the literature in individuals affected with COL4A1-related conditions. For these reasons, this variant has been classified as Pathogenic.

Literature cited by the submitters: PubMed 23225343.